The following is an entry in ClinVar:

NM_001963.6(EGF):c.100G>A (p.Ala34Thr)

Gene: EGF (epidermal growth factor; plus strand). Cytogenetic location: 4q25.
Variant type: single nucleotide variant.
Coding change: c.100G>A on transcript NM_001963.6 (MANE Select); coding-DNA position 100, G replaced by A.
Protein change: p.Ala34Thr; replaces alanine 34 with threonine.
Molecular consequence: missense variant.
Genome position (GRCh38, 1-based): chr4:109,913,435, G>A. VCF-style: chr4-109913435-G-A. GRCh37 (hg19) VCF-style: chr4-110834591-G-A.
Other names: c.100G>A, p.Ala34Thr (NM_001178130.3, NM_001178131.3, NM_001357021.2); short protein forms A34T.
Identifiers: ClinVar variation 2042096 (VCV002042096.4), dbSNP rs201626324, ClinGen allele CA3043338.
Genomic context (GRCh38, chr4:109,913,435, plus strand): 5'-AAATTTAGTTTTGTTAGTCTCTCAGCACCGCAGCACTGGAGCTGTCCTGAAGGTACTCTC[G>A]CAGGAAATGGGAATTCTACTTGTGTGGGTAAGTACTCCAATGAAAAGGTGCTCCAGGTCT-3'
Protein context (NP_001954.2, residues 24-44): QHWSCPEGTL[Ala34Thr]GNGNSTCVGP

ClinVar aggregate classification (germline): Uncertain significance (1 of 4 stars; one submission).

Allele frequency attached by ClinVar (database versions not stated): TOPMed below 0.00001; 1000 Genomes Project 30x 0.00016; 1000 Genomes Project 0.00020.
gnomAD v4.1: 10 of 1,613,760 alleles (0.00062%); highest among the groups gnomAD compares: African/African-American, 0.0027%; no homozygotes.

Submission:

Labcorp Genetics (formerly Invitae), Labcorp
Classification: Uncertain significance. Last evaluated: 2025-06-12. Review status: criteria provided, single submitter. Criteria: Invitae Variant Classification Sherloc (09022015). Collection method: clinical testing. Allele origin: germline.
Comment: This sequence change replaces alanine, which is neutral and non-polar, with threonine, which is neutral and polar, at codon 34 of the EGF protein (p.Ala34Thr). This variant is present in population databases (rs201626324, gnomAD 0.007%). This variant has not been reported in the literature in individuals affected with EGF-related conditions. ClinVar contains an entry for this variant (Variation ID: 2042096). An algorithm developed to predict the effect of missense changes on protein structure and function (PolyPhen-2) suggests that this variant is likely to be tolerated. In summary, the available evidence is currently insufficient to determine the role of this variant in disease. Therefore, it has been classified as a Variant of Uncertain Significance.